The following is an entry in ClinVar:

NM_020312.4(COQ9):c.590T>C (p.Ile197Thr)

Gene: COQ9 (coenzyme Q9; plus strand). Cytogenetic location: 16q21.
Variant type: single nucleotide variant.
Coding change: c.590T>C on transcript NM_020312.4 (MANE Select); coding-DNA position 590, T replaced by C.
Protein change: p.Ile197Thr; replaces isoleucine 197 with threonine.
Molecular consequence: missense variant.
Genome position (GRCh38, 1-based): chr16:57,456,999, T>C. VCF-style: chr16-57456999-T-C. GRCh37 (hg19) VCF-style: chr16-57490911-T-C.
Other names: c.590T>C (NM_020312.3); short protein forms I197T.
Identifiers: ClinVar variation 1368049 (VCV001368049.6), dbSNP rs776287087, ClinGen allele CA8076262.

ClinVar aggregate classification (germline): Uncertain significance. Review status: criteria provided, multiple submitters, no conflicts (2 of 4 stars). 3 submissions from 3 submitters: Uncertain significance (3). Last evaluated 2026-04-13.

Conditions:
Inborn genetic diseases. Identifiers: MedGen C0950123, MeSH D030342.
COQ9-related disorder. Also called: COQ9-related condition.

Allele frequency attached by ClinVar (database versions not stated): gnomAD 0.00006 and 0.00009; TOPMed 0.00008; gnomAD exomes 0.00010 and 0.00011; ExAC 0.00011.
gnomAD v4.1: 184 of 1,613,720 alleles (0.011%); highest among the groups gnomAD compares: South Asian, 0.045%; 1 homozygote.

Submissions (3):

PreventionGenetics, part of Exact Sciences
Classification: Uncertain significance for COQ9-related condition. Last evaluated: 2026-04-13. Review status: criteria provided, single submitter. Criteria: ACMG Guidelines, 2015. Collection method: clinical testing. Allele origin: germline.
Comment: The COQ9 c.590T>C variant is predicted to result in the amino acid substitution p.Ile197Thr. To our knowledge, this variant has not been reported in the literature. This variant is reported in 0.049% of alleles in individuals of South Asian descent in gnomAD. At this time, the clinical significance of this variant is uncertain due to the absence of conclusive functional and genetic evidence.

Ambry Genetics
Classification: Uncertain significance for Inborn genetic diseases. Last evaluated: 2024-08-20. Review status: criteria provided, single submitter. Criteria: Ambry Variant Classification Scheme 2023. Collection method: clinical testing. Allele origin: germline.

Labcorp Genetics (formerly Invitae), Labcorp
Classification: Uncertain significance. Last evaluated: 2022-10-24. Review status: criteria provided, single submitter. Criteria: Invitae Variant Classification Sherloc (09022015). Collection method: clinical testing. Allele origin: germline.
Comment: This sequence change replaces isoleucine, which is neutral and non-polar, with threonine, which is neutral and polar, at codon 197 of the COQ9 protein (p.Ile197Thr). This variant is present in population databases (rs776287087, gnomAD 0.05%). This variant has not been reported in the literature in individuals affected with COQ9-related conditions. ClinVar contains an entry for this variant (Variation ID: 1368049). Algorithms developed to predict the effect of missense changes on protein structure and function are either unavailable or do not agree on the potential impact of this missense change (SIFT: "Tolerated"; PolyPhen-2: "Possibly Damaging"; Align-GVGD: "Class C0"). In summary, the available evidence is currently insufficient to determine the role of this variant in disease. Therefore, it has been classified as a Variant of Uncertain Significance.